The following is an entry in ClinVar:

ClinVar aggregate classification (germline): Uncertain significance (1 of 4 stars; one submission).

Submission:

Labcorp Genetics (formerly Invitae), Labcorp
Classification: Uncertain significance. Last evaluated: 2022-10-17. Review status: criteria provided, single submitter. Criteria: Invitae Variant Classification Sherloc (09022015). Collection method: clinical testing. Allele origin: germline.
Comment: In summary, the available evidence is currently insufficient to determine the role of this variant in disease. Therefore, it has been classified as a Variant of Uncertain Significance. Advanced modeling of protein sequence and biophysical properties (such as structural, functional, and spatial information, amino acid conservation, physicochemical variation, residue mobility, and thermodynamic stability) has been performed at Invitae for this missense variant, however the output from this modeling did not meet the statistical confidence thresholds required to predict the impact of this variant on GNRHR protein function. This missense change has been observed in individual(s) with clinical features of hypogonadotropic hypogonadism (Invitae). It has also been observed to segregate with disease in related individuals. This variant is not present in population databases (gnomAD no frequency). This sequence change replaces tryptophan, which is neutral and slightly polar, with cysteine, which is neutral and slightly polar, at codon 280 of the GNRHR protein (p.Trp280Cys).

NM_000406.3(GNRHR):c.840G>C (p.Trp280Cys)

Gene: GNRHR (gonadotropin releasing hormone receptor; minus strand). Cytogenetic location: 4q13.2.
Variant type: single nucleotide variant.
Coding change: c.840G>C on transcript NM_000406.3 (MANE Select); coding-DNA position 840, G replaced by C.
Protein change: p.Trp280Cys; replaces tryptophan 280 with cysteine.
Molecular consequence: missense variant.
Genome position (GRCh38, 1-based): chr4:67,740,627, C>G on the plus strand (G>C on the coding strand, the complement: GNRHR is on the minus strand). VCF-style: chr4-67740627-C-G. GRCh37 (hg19) VCF-style: chr4-68606345-C-G.
Other names: c.712G>C, p.Asp238His (NM_001012763.2); short protein forms W280C, D238H.
Identifiers: ClinVar variation 2079685 (VCV002079685.4), dbSNP rs1474926536, ClinGen allele CA357047839.